The following is an entry in ClinVar:

NM_005142.3(CBLIF):c.953T>C (p.Ile318Thr)

Gene: CBLIF (cobalamin binding intrinsic factor; minus strand). Cytogenetic location: 11q12.1.
Variant type: single nucleotide variant.
Coding change: c.953T>C on transcript NM_005142.3 (MANE Select); coding-DNA position 953, T replaced by C.
Protein change: p.Ile318Thr; replaces isoleucine 318 with threonine.
Molecular consequence: missense variant.
Genome position (GRCh38, 1-based): chr11:59,835,928, A>G on the plus strand (T>C on the coding strand, the complement: CBLIF is on the minus strand). VCF-style: chr11-59835928-A-G. GRCh37 (hg19) VCF-style: chr11-59603401-A-G.
Other names: c.953T>C (NM_005142.2); short protein forms I318T.
Identifiers: ClinVar variation 2199125 (VCV002199125.5), dbSNP rs777010766, ClinGen allele CA223266460.
Genomic context (GRCh38, chr11:59,835,928, plus strand): 5'-TTCACACTAACATTGATGGTCTCGTTGAAGAGCAGCTCAACCCCCCTCAGCTGGTTATTT[A>G]TGGTGTATATGACAGTGATGTTAGATGCAGAGGTGGGGCCAGGGCCAGGGTTGCTGGGTA-3'
Protein context (NP_005133.2, residues 308-328): SASNITVIYT[Ile318Thr]NNQLRGVELL

ClinVar aggregate classification (germline): Uncertain significance. Review status: criteria provided, multiple submitters, no conflicts (2 of 4 stars). 2 submissions from 2 submitters: Uncertain significance (2). Last evaluated 2025-10-23.

Conditions:
Hereditary intrinsic factor deficiency (IFD). Also called: PERNICIOUS ANEMIA, CONGENITAL, DUE TO DEFECT OF INTRINSIC FACTOR; Congenital intrinsic factor deficiency. Identifiers: Orphanet 332, MedGen C2062370, MONDO:0009852, OMIM 261000.

Allele frequency attached by ClinVar (database versions not stated): gnomAD 0.00001; gnomAD exomes 0.00001; TOPMed 0.00001.
gnomAD v4.1: 15 of 1,613,874 alleles (0.00093%); highest among the groups gnomAD compares: Non-Finnish European, 0.0012%; no homozygotes.

Submissions (2):

Ambry Genetics
Classification: Uncertain significance. Last evaluated: 2025-10-23. Review status: criteria provided, single submitter. Criteria: Ambry Variant Classification Scheme 2023. Collection method: clinical testing. Allele origin: germline.

Labcorp Genetics (formerly Invitae), Labcorp
Classification: Uncertain significance for Hereditary intrinsic factor deficiency. Last evaluated: 2022-04-13. Review status: criteria provided, single submitter. Criteria: Invitae Variant Classification Sherloc (09022015). Collection method: clinical testing. Allele origin: germline.
Comment: In summary, the available evidence is currently insufficient to determine the role of this variant in disease. Therefore, it has been classified as a Variant of Uncertain Significance. Algorithms developed to predict the effect of missense changes on protein structure and function (SIFT, PolyPhen-2, Align-GVGD) all suggest that this variant is likely to be disruptive. This variant has not been reported in the literature in individuals affected with GIF-related conditions. This variant is present in population databases (rs777010766, gnomAD 0.0009%). This sequence change replaces isoleucine, which is neutral and non-polar, with threonine, which is neutral and polar, at codon 318 of the GIF protein (p.Ile318Thr).